The following is an entry in ClinVar:

NM_000059.4(BRCA2):c.9944_9948del (p.Lys3315fs)

Gene: BRCA2 (BRCA2 DNA repair associated; plus strand). Cytogenetic location: 13q13.1.
Variant type: Deletion.
Coding change: c.9944_9948del on transcript NM_000059.4 (MANE Select); coding-DNA positions 9944 to 9948, 5 bases deleted (AAGAA; older notation c.9944_9948delAAGAA).
Protein change: p.Lys3315fs; shifts the reading frame from lysine 3315.
Molecular consequence: frameshift variant.
Genome position (GRCh38, 1-based): chr13:32,398,457-32,398,461, AAGAA deleted; deleting any 5 consecutive bases within chr13:32,398,455-32,398,461 gives the same sequence; the c. name uses the placement nearest the transcript's 3' end. VCF-style (leftmost placement, unchanged base first): chr13-32398454-AAAAAG-A. GRCh37 (hg19) VCF-style: chr13-32972591-AAAAAG-A.
Other names: short protein forms K3315fs.
Identifiers: ClinVar variation 1301391 (VCV001301391.1), dbSNP rs2137665218, ClinGen allele CA2573053833.

ClinVar aggregate classification (germline): Uncertain significance (1 of 4 stars; one submission).

Submission:

Women's Health and Genetics/Laboratory Corporation of America, LabCorp
Classification: Uncertain significance. Last evaluated: 2021-09-10. Review status: criteria provided, single submitter. Criteria: LabCorp Variant Classification Summary - May 2015. Collection method: clinical testing. Allele origin: germline.
Comment: Variant summary: BRCA2 c.9944_9948delAAGAA (p.Lys3315ThrfsX10) results in a premature termination codon in the 3' terminus of BRCA2, which may not trigger nonsense-mediated mRNA decay. Truncations downstream of this position have been classified as VUS in our internal database and other databases. The variant was absent in 251244 control chromosomes. To our knowledge, no occurrence of c.9944_9948delAAGAA in individuals affected with Hereditary Breast And Ovarian Cancer Syndrome and no experimental evidence demonstrating its impact on protein function have been reported. No clinical diagnostic laboratories have submitted clinical-significance assessments for this variant to ClinVar after 2014. Based on the evidence outlined above, the variant was classified as VUS.